The following is an entry in ClinVar:

NM_000090.4(COL3A1):c.1194+6C>A

Gene: COL3A1 (collagen type III alpha 1 chain; plus strand). Cytogenetic location: 2q32.2.
Variant type: single nucleotide variant.
Coding change: c.1194+6C>A on transcript NM_000090.4 (MANE Select); 6 bases into the intron after coding-DNA position 1194, C replaced by A.
Molecular consequence: intron variant.
Genome position (GRCh38, 1-based): chr2:188,994,088, C>A. VCF-style: chr2-188994088-C-A. GRCh37 (hg19) VCF-style: chr2-189858814-C-A.
Identifiers: ClinVar variation 4987293 (VCV004987293.1).

ClinVar aggregate classification (germline): Likely benign (1 of 4 stars; one submission).

Conditions:
COL3A1-related disorder. Also called: COL3A1-related condition.

gnomAD v4.1: 3 of 1,614,176 alleles (0.00019%); highest among the groups gnomAD compares: Non-Finnish European, 0.00025%; no homozygotes.

Submission:

PreventionGenetics, part of Exact Sciences
Classification: Likely benign for COL3A1-related condition. Last evaluated: 2026-02-24. Review status: criteria provided, single submitter. Criteria: ACMG Guidelines, 2015. Collection method: clinical testing. Allele origin: germline.
Comment: This variant is classified as likely benign based on ACMG/AMP sequence variant interpretation guidelines (Richards et al. 2015 PMID: 25741868, with internal and published modifications).